The following is an entry in ClinVar:

NM_021625.5(TRPV4):c.812G>A (p.Arg271His)

Gene: TRPV4 (transient receptor potential cation channel subfamily V member 4; minus strand). Cytogenetic location: 12q24.11.
Variant type: single nucleotide variant.
Coding change: c.812G>A on transcript NM_021625.5 (MANE Select); coding-DNA position 812, G replaced by A.
Protein change: p.Arg271His; replaces arginine 271 with histidine.
Molecular consequence: missense variant. On other transcripts: intron variant (2).
Genome position (GRCh38, 1-based): chr12:109,800,659, C>T on the plus strand (G>A on the coding strand, the complement: TRPV4 is on the minus strand). VCF-style: chr12-109800659-C-T. GRCh37 (hg19) VCF-style: chr12-110238464-C-T.
Other names: c.710G>A, p.Arg237His (NM_001177431.2); c.812G>A, p.Arg271His (NM_147204.3); c.713-1747G>A (NM_001177433.1, NM_001177428.1); short protein forms R237H, R271H.
Identifiers: ClinVar variation 882712 (VCV000882712.12), dbSNP rs387907219, ClinGen allele CA6780421.

ClinVar aggregate classification (germline): Conflicting classifications of pathogenicity. Review status: criteria provided, conflicting classifications (1 of 4 stars). 10 submissions from 5 submitters: Likely pathogenic (1); Uncertain significance (9). Last evaluated 2026-07-01.

Conditions:
Charcot-Marie-Tooth disease axonal type 2C (HMSN2C). Also called: CHARCOT-MARIE-TOOTH DISEASE, AXONAL, AUTOSOMAL DOMINANT, TYPE 2C; Charcot-Marie-Tooth Neuropathy Type 2C; Charcot-Marie-Tooth Disease Type 2, TRPV4-Related (CMT2C). Identifiers: Orphanet 99937, MedGen C1853710, MONDO:0011633, OMIM 606071.
Metatropic dysplasia (MTD). Also called: Metatropic dysplasia, nonlethal dominant; METATROPIC DWARFISM; Metatropic Dysplasia, TRPV4-Related. Identifiers: Orphanet 2635, MedGen C0265281, MONDO:0007986, OMIM 156530.
Neuronopathy, distal hereditary motor, autosomal dominant 8. Also called: NEURONOPATHY, DISTAL HEREDITARY MOTOR, TYPE VIII; NEUROPATHY, DISTAL HEREDITARY MOTOR, TYPE VIII; Autosomal dominant congenital benign spinal muscular atrophy; SPINAL MUSCULAR ATROPHY, CONGENITAL BENIGN, WITH CONTRACTURES. Identifiers: Orphanet 1216, MedGen C1838492, MONDO:0010839, OMIM 600175.
Spondylometaphyseal dysplasia, Kozlowski type (SMDK). Also called: Dysmorphism arthrogryposis skeletal maturation advanced; Jequier-Kozlowski syndrome; Skeletal dysplasia Jequier-Kozlowski type; SMD Kozlowski type; Spondylometaphyseal Dysplasia, TRPV4-Related (Kozlowski Type). Identifiers: Orphanet 93314, MedGen C0265280, MONDO:0008477, OMIM 184252.
Brachyrachia (short spine dysplasia) (BCYM3). Also called: Brachyolmia Type 3; Autosomal dominant brachyolmia; BRACHYRACHIA; Brachyolmia, TRPV4-Related. Identifiers: Orphanet 93304, MedGen C0432227, MONDO:0007232, OMIM 113500.
Inborn genetic diseases. Identifiers: MedGen C0950123, MeSH D030342.
Scapuloperoneal spinal muscular atrophy (SPSMA). Also called: Scapuloperoneal Form of Spinal Muscular Atrophy; Scapuloperoneal spinal muscular atrophy, autosomal dominant; Scapuloperoneal Spinal Muscular Atrophy, TRPV4-Related; AMYOTROPHY, NEUROGENIC SCAPULOPERONEAL, NEW ENGLAND TYPE. Identifiers: Orphanet 431255, MedGen C0751335, MONDO:0008408, OMIM 181405.

Allele frequency attached by ClinVar (database versions not stated): gnomAD exomes 0.00001 and 0.00002; TOPMed below 0.00001; ExAC 0.00001; gnomAD 0.00001.
gnomAD v4.1: 15 of 1,614,072 alleles (0.00093%); highest among the groups gnomAD compares: Admixed American, 0.0017%; no homozygotes.

Submissions (10):

CeGaT Center for Human Genetics Tuebingen
Classification: Uncertain significance. Last evaluated: 2026-07-01. Review status: criteria provided, single submitter. Criteria: CeGaT Center For Human Genetics Tuebingen Variant Classification Criteria Version 2. Collection method: clinical testing. Allele origin: germline. Affected: yes. Observed: 1 variant allele.
Comment: TRPV4: PM5:Supporting, PS4:Supporting

Women's Health and Genetics/Laboratory Corporation of America, LabCorp
Classification: Uncertain significance. Last evaluated: 2025-12-24. Review status: criteria provided, single submitter. Criteria: LabCorp Variant Classification Summary - May 2015. Collection method: clinical testing. Allele origin: germline.
Comment: Variant summary: TRPV4 c.812G>A (p.Arg271His) results in a non-conservative amino acid change in the encoded protein sequence. Algorithms developed to predict the effect of missense changes on protein structure and function all suggest that this variant is likely to be disruptive. The variant allele was found at a frequency of 1.6e-05 in 251258 control chromosomes. The available data on variant occurrences in the general population are insufficient to allow any conclusion about variant significance. c.812G>A has been observed in individual(s) affected with TRPV4-Related Hereditary Motor And Sensory Neuropathy (Bacquet_2018, Berth_2025). These report(s) do not provide unequivocal conclusions about association of the variant with TRPV4-Related Hereditary Motor And Sensory Neuropathy. At least one publication reports experimental evidence evaluating an impact on protein function, which shows reduced channel activity in vitro (Berth_2025). The following publications have been ascertained in the context of this evaluation (PMID: 30373780, 39021275). ClinVar contains an entry for this variant (Variation ID: 882712). Based on the evidence outlined above, the variant was classified as uncertain significance.

Labcorp Genetics (formerly Invitae), Labcorp
Classification: Likely pathogenic for Charcot-Marie-Tooth disease axonal type 2C. Last evaluated: 2025-04-14. Review status: criteria provided, single submitter. Criteria: Invitae Variant Classification Sherloc (09022015). Collection method: clinical testing. Allele origin: germline.
Comment: This sequence change replaces arginine, which is basic and polar, with histidine, which is basic and polar, at codon 271 of the TRPV4 protein (p.Arg271His). This variant is present in population databases (rs387907219, gnomAD 0.004%). This missense change has been observed in individual(s) with Charcot-Marie-Tooth disease (PMID: 30373780). ClinVar contains an entry for this variant (Variation ID: 882712). Invitae Evidence Modeling of protein sequence and biophysical properties (such as structural, functional, and spatial information, amino acid conservation, physicochemical variation, residue mobility, and thermodynamic stability) has been performed for this missense variant. However, the output from this modeling did not meet the statistical confidence thresholds required to predict the impact of this variant on TRPV4 protein function. This variant disrupts the p.Arg271 amino acid residue in TRPV4. Other variant(s) that disrupt this residue have been determined to be pathogenic (PMID: 21964574). This suggests that this residue is clinically significant, and that variants that disrupt this residue are likely to be disease-causing. In summary, the currently available evidence indicates that the variant is pathogenic, but additional data are needed to prove that conclusively. Therefore, this variant has been classified as Likely Pathogenic.

Ambry Genetics
Classification: Uncertain significance for Inborn genetic diseases. Last evaluated: 2021-04-30. Review status: criteria provided, single submitter. Criteria: Ambry Variant Classification Scheme 2023. Collection method: clinical testing. Allele origin: germline.
Comment: The p.R271H variant (also known as c.812G>A), located in coding exon 4 of the TRPV4 gene, results from a G to A substitution at nucleotide position 812. The arginine at codon 271 is replaced by histidine, an amino acid with highly similar properties. This variant was detected in an individual with a Charcot-Marie-Tooth type 1 phenotype, who also had variants in other inherited neuropathy genes; however, clinical data was limited, and functional analysis was not performed on any identified alteration (Bacquet J et al. BMJ Open, 2018 10;8:e021632). This amino acid position is well conserved in available vertebrate species. In addition, the in silico prediction for this alteration is inconclusive. Since supporting evidence is limited at this time, the clinical significance of this alteration remains unclear.

Illumina Laboratory Services, Illumina
Classification: Uncertain significance for Metatropic dysplasia. Last evaluated: 2017-04-27. Review status: criteria provided, single submitter. Criteria: ICSL Variant Classification Criteria 13 December 2019. Collection method: clinical testing. Allele origin: germline.

Illumina Laboratory Services, Illumina
Classification: Uncertain significance for Brachyrachia (short spine dysplasia). Last evaluated: 2017-04-27. Review status: criteria provided, single submitter. Criteria: ICSL Variant Classification Criteria 13 December 2019. Collection method: clinical testing. Allele origin: germline.

Illumina Laboratory Services, Illumina
Classification: Uncertain significance for Spondylometaphyseal dysplasia, Kozlowski type. Last evaluated: 2017-04-27. Review status: criteria provided, single submitter. Criteria: ICSL Variant Classification Criteria 13 December 2019. Collection method: clinical testing. Allele origin: germline.

Illumina Laboratory Services, Illumina
Classification: Uncertain significance for Scapuloperoneal spinal muscular atrophy. Last evaluated: 2017-04-27. Review status: criteria provided, single submitter. Criteria: ICSL Variant Classification Criteria 13 December 2019. Collection method: clinical testing. Allele origin: germline.

Illumina Laboratory Services, Illumina
Classification: Uncertain significance for Charcot-Marie-Tooth disease axonal type 2C. Last evaluated: 2017-04-27. Review status: criteria provided, single submitter. Criteria: ICSL Variant Classification Criteria 13 December 2019. Collection method: clinical testing. Allele origin: germline.

Illumina Laboratory Services, Illumina
Classification: Uncertain significance for Neuronopathy, distal hereditary motor, autosomal dominant 8. Last evaluated: 2017-04-27. Review status: criteria provided, single submitter. Criteria: ICSL Variant Classification Criteria 13 December 2019. Collection method: clinical testing. Allele origin: germline.

Literature cited by the submitters: PubMed 30373780 (cited by 3 submitters); PubMed 39021275 (cited by Women's Health and Genetics/Laboratory Corporation of America, LabCorp); PubMed 21964574 (cited by Labcorp Genetics (formerly Invitae), Labcorp).